The following is an entry in ClinVar:

ClinVar aggregate classification (germline): Pathogenic. Review status: criteria provided, multiple submitters, no conflicts (2 of 4 stars). 11 submissions from 11 submitters: Pathogenic (8). 3 of the submissions do not count toward it. Last evaluated 2026-02-01.

Conditions:
MYO7A-related disorder. Also called: MYO7A-related disorders.
Rare genetic deafness. Identifiers: Orphanet 96210, MedGen C5680250.
Usher syndrome type 1 (USH1). Also called: RETINITIS PIGMENTOSA AND CONGENITAL DEAFNESS. Identifiers: Orphanet 231169, Orphanet 886, MedGen C1568247, MONDO:0010168, OMIM 276900.
Autosomal recessive nonsyndromic hearing loss 2. Also called: DEAFNESS, AUTOSOMAL RECESSIVE 2; NEUROSENSORY NONSYNDROMIC RECESSIVE DEAFNESS 2. Identifiers: Orphanet 90636, MedGen C1838701, MONDO:0010807, OMIM 600060.
Usher syndrome type 1B (USH1B). Also called: Usher syndrome type IB. Identifiers: MedGen C1848638, MONDO:0700087.

Allele frequency attached by ClinVar (database versions not stated): ExAC 0.00002; gnomAD 0.00002; gnomAD exomes 0.00003; TOPMed 0.00004.
gnomAD v4.1: 34 of 1,598,638 alleles (0.0021%); highest among the groups gnomAD compares: Non-Finnish European, 0.0028%; no homozygotes.

Submissions (11):

GeneDx
Classification: Pathogenic. Last evaluated: 2026-02-01. Review status: criteria provided, single submitter. Criteria: GeneDx Variant Classification Process June 2021. Collection method: clinical testing. Allele origin: germline. Affected: yes.
Comment: Nonsense variant predicted to result in protein truncation or nonsense mediated decay in a gene for which loss of function is a known mechanism of disease; Reported with a second MYO7A variant, phase unknown, in multiple patients with Usher syndrome (PMID: 10094549, 25468891, Wawrocka A et al. (2018) Klinika Oczna.); This variant is associated with the following publications: (PMID: 25525159, 28559085, 25404053, 26969326, 31479088, 31625567, 33089500, 33576163, 31964843, 34948090, 26338283, 27957503, 32783370, 37446072, 38987893, 21873662, 16679490, 38927562, 25425308, 8900236, 15043528, 10930322, 18463160, 21569298, 25468891, Wawrocka2018[Case Report], 10094549)

PreventionGenetics, part of Exact Sciences
Classification: Pathogenic for MYO7A-related condition. Last evaluated: 2025-11-25. Review status: criteria provided, single submitter. Criteria: ACMG Guidelines, 2015. Collection method: clinical testing. Allele origin: germline.
Comment: The MYO7A c.5392C>T variant is predicted to result in premature protein termination (p.Gln1798*). This variant has been reported in multiple individuals with Usher syndrome or retinal disease (Janecke et al. 1999. PubMed ID: 10094549; Aparisi et al. 2014. PubMed ID: 25404053; Table S4, Stone et al. 2017. PubMed ID: 28559085). This variant is reported in 0.0052% of alleles in individuals of European (Non-Finnish) descent in gnomAD. Nonsense variants in MYO7A are expected to be pathogenic. This variant is interpreted as pathogenic.

Labcorp Genetics (formerly Invitae), Labcorp
Classification: Pathogenic. Last evaluated: 2025-09-10. Review status: criteria provided, single submitter. Criteria: Invitae Variant Classification Sherloc (09022015). Collection method: clinical testing. Allele origin: germline.
Comment: This sequence change creates a premature translational stop signal (p.Gln1798*) in the MYO7A gene. It is expected to result in an absent or disrupted protein product. Loss-of-function variants in MYO7A are known to be pathogenic (PMID: 8900236, 25404053). This variant is present in population databases (rs397516317, gnomAD 0.006%). This premature translational stop signal has been observed in individuals with autosomal recessive Usher syndrome (PMID: 10094549, 25404053, 28559085). ClinVar contains an entry for this variant (Variation ID: 43282). For these reasons, this variant has been classified as Pathogenic.

Natera, Inc.
Classification: Pathogenic for Usher syndrome type 1B. Last evaluated: 2025-06-23. Review status: criteria provided, single submitter. Criteria: Natera Variant Classification Schema (03/2026). Collection method: clinical testing. Allele origin: germline.
Comment: The c.5392C>T variant in MYO7A is a nonsense variant predicted to introduce a stop codon at amino acid 1798. This variant is expected to result in nonsense mediated decay, truncation, or a dysfunctional protein product. This variant is rare in the general population with a frequency below the threshold expected for the associated phenotype(s). This variant has been observed in one or more individuals affected with the associated recessive disease, as either homozygous or compound heterozygous with a second variant (PMID: 32783370, 27957503). Given the available evidence, this variant is classified as Pathogenic.

Variantyx, Inc.
Classification: Pathogenic for Usher syndrome type 1. Last evaluated: 2025-05-15. Review status: criteria provided, single submitter. Criteria: Variantyx Assertion Criteria 2022. Collection method: clinical testing. Allele origin: germline. Inheritance: Autosomal recessive inheritance.
Comment: This is a nonsense variant in the MYO7A gene (OMIM: 276903). Pathogenic variants in this gene have been associated with autosomal recessive Usher syndrome type IB. Te alteration introduces a premature termination codon in exon 39 out of 49 and is expected to result in loss of function, which is a known disease mechanism for MYO7A in this disorder (PMID: 8900236, 25404053) (PVS1). This variant has been identified in the compound heterozygous state in at least 2 individuals reported in the published literature (PMID: 10094549, 25404053) (PM3) and it has a 0.0028% maximum allele frequency in non-founder control populations (PM2). Based on the current evidence, this variant is classified as pathogenic for autosomal recessive Usher syndrome type IB.A

Blueprint Genetics
Classification: Pathogenic for MYO7A-related disorders. Last evaluated: 2022-09-07. Review status: criteria provided, single submitter. Criteria: ACMG Guidelines, 2015. Collection method: clinical testing. Allele origin: germline. Affected: yes. Observed: 5 variant alleles.

Victorian Clinical Genetics Services, Murdoch Childrens Research Institute
Classification: Pathogenic for Usher syndrome type 1. Last evaluated: 2020-10-19. Review status: criteria provided, single submitter. Criteria: ACMG Guidelines, 2015. Collection method: clinical testing. Allele origin: germline. Inheritance: Autosomal recessive inheritance. Affected: yes.
Comment: Based on the classification scheme VCGS_Germline_v1.3.4, this variant is classified as Pathogenic. Following criteria are met: 0102 - Loss of function is a known mechanism of disease in this gene and is associated with deafness (MIM#601317 and MIM#600060) and Usher syndrome type 1B (MIM#276900). (I) 0108 - This gene is associated with both recessive and dominant disease. Although primarily associated with autosomal recessive disease, a small number of families with autosomal dominant deafness have been reported (OMIM, PMID:26338283). (I) 0201 - Variant is predicted to cause nonsense-mediated decay (NMD) and loss of protein (premature termination codon is located at least 54 nucleotides upstream of the final exon-exon junction). (SP) 0251 - This variant is heterozygous. (I) 0304 - Variant is present in gnomAD <0.01 for a recessive condition (7 heterozygotes, 0 homozygotes). (SP) 0701 - Other NMD-predicted variants comparable to the one identified in this case have very strong previous evidence for pathogenicity. NMD-predicted variants are widely reported in patients with Usher syndrome (ClinVar, PMID:21873662, 27957503). (SP) 0801 - This variant has strong previous evidence of pathogenicity in unrelated individuals. This variant has been reported in multiple unrelated patients with Usher syndrome (ClinVar, PMID: 21873662, 10094549, 16679490, 25404053). (I) Legend: (SP) - Supporting pathogenic, (I) - Information, (SB) - Supporting benign

Laboratory for Molecular Medicine, Mass General Brigham Personalized Medicine
Classification: Pathogenic for Rare genetic deafness. Last evaluated: 2010-04-08. Review status: criteria provided, single submitter. Criteria: LMM Criteria. Collection method: clinical testing. Allele origin: germline. Observed: 3 variant alleles.
Comment: The Gln1798X variant has been reported in at least 6 probands with Usher syndrom e type 1 (Jacobson 2008, Bharadwaj 2000, Janecke 1999, Pennings 2004, Roux 2006) . In addition, the Gln1798X variant leads to a premature stop codon at position 1798 and therefore, is predicted to lead to a truncated or absent protein. In su mmary, this variant is highly likely to be pathogenic.

Counsyl
Classification: Pathogenic for Autosomal recessive nonsyndromic hearing loss 2. Last evaluated: 2017-09-07. Review status: no assertion criteria provided. Collection method: clinical testing. Allele origin: unknown. Not counted in ClinVar's aggregate classification.

Clinical Genetics DNA and cytogenetics Diagnostics Lab, Erasmus MC, Erasmus Medical Center
Classification: Pathogenic. Review status: no assertion criteria provided. Collection method: clinical testing. Allele origin: germline. Affected: yes. Study: VKGL Data-share Consensus. Not counted in ClinVar's aggregate classification.

Joint Genome Diagnostic Labs from Nijmegen and Maastricht, Radboudumc and MUMC+
Classification: Pathogenic. Review status: no assertion criteria provided. Collection method: clinical testing. Allele origin: germline. Affected: yes. Study: VKGL Data-share Consensus. Not counted in ClinVar's aggregate classification.

Literature cited by the submitters: PubMed 8900236 (cited by Labcorp Genetics (formerly Invitae), Labcorp and Variantyx, Inc.); PubMed 25404053 (cited by 3 submitters); PubMed 10094549 (cited by 4 submitters); PubMed 28559085 (cited by Labcorp Genetics (formerly Invitae), Labcorp); PubMed 32783370 (cited by Natera, Inc.); PubMed 27957503 (cited by Natera, Inc. and Victorian Clinical Genetics Services, Murdoch Childrens Research Institute); PubMed 16679490 (cited by Victorian Clinical Genetics Services, Murdoch Childrens Research Institute and Laboratory for Molecular Medicine, Mass General Brigham Personalized Medicine); PubMed 21873662 (cited by Victorian Clinical Genetics Services, Murdoch Childrens Research Institute and Counsyl); PubMed 26338283 (cited by Victorian Clinical Genetics Services, Murdoch Childrens Research Institute); PubMed 15043528 (cited by Laboratory for Molecular Medicine, Mass General Brigham Personalized Medicine); PubMed 10930322 (cited by Laboratory for Molecular Medicine, Mass General Brigham Personalized Medicine); PubMed 18463160 (cited by Laboratory for Molecular Medicine, Mass General Brigham Personalized Medicine).

NM_000260.4(MYO7A):c.5392C>T (p.Gln1798Ter)

Gene: MYO7A (myosin VIIA; plus strand). Cytogenetic location: 11q13.5.
Variant type: single nucleotide variant.
Coding change: c.5392C>T on transcript NM_000260.4 (MANE Select); coding-DNA position 5392, C replaced by T.
Protein change: p.Gln1798Ter; replaces glutamine 1798 with a stop codon.
Molecular consequence: nonsense.
Genome position (GRCh38, 1-based): chr11:77,204,141, C>T. VCF-style: chr11-77204141-C-T. GRCh37 (hg19) VCF-style: chr11-76915186-C-T.
Other names: c.5278C>T, p.Gln1760Ter (NM_001127180.2); c.5245C>T, p.Gln1749Ter (NM_001369365.1); short protein forms Q1798*, Q1749*, Q1760*.
Identifiers: ClinVar variation 43282 (VCV000043282.29), dbSNP rs397516317, ClinGen allele CA278682.